The following is an entry in ClinVar:

NM_000081.4(LYST):c.1683A>G (p.Leu561=)

Gene: LYST (lysosomal trafficking regulator; minus strand). Cytogenetic location: 1q42.3.
Variant type: single nucleotide variant.
Coding change: c.1683A>G on transcript NM_000081.4 (MANE Select); coding-DNA position 1683, A replaced by G.
Protein change: p.Leu561=; no amino-acid change (leucine 561 retained).
Molecular consequence: synonymous variant.
Genome position (GRCh38, 1-based): chr1:235,809,135, T>C on the plus strand (A>G on the coding strand, the complement: LYST is on the minus strand). VCF-style: chr1-235809135-T-C. GRCh37 (hg19) VCF-style: chr1-235972435-T-C.
Other names: p.Leu561=; c.1683A>G, p.Leu561= (NM_001301365.1).
Identifiers: ClinVar variation 254912 (VCV000254912.26), dbSNP rs3820553, ClinGen allele CA1467424.

ClinVar aggregate classification (germline): Benign/Likely benign. Review status: criteria provided, multiple submitters, no conflicts (2 of 4 stars). 8 submissions from 8 submitters: Benign (7); Likely benign (1). Last evaluated 2026-02-04.

Conditions:
Chédiak-Higashi syndrome (CHS). Also called: Chediak-Higashi Syndrome. Identifiers: Orphanet 167, MedGen C0007965, MONDO:0008963, OMIM 214500.

Allele frequency attached by ClinVar (database versions not stated): 1000 Genomes Project 0.30272; 1000 Genomes Project 30x 0.31730; gnomAD exomes 0.34496 and 0.38314; ExAC 0.34992; TOPMed 0.40161; gnomAD 0.40548 and 0.41844; ESP Exome Variant Server 0.43664.
gnomAD v4.1: 620,630 of 1,613,674 alleles (38%); highest among the groups gnomAD compares: African/African-American, 50%; 124,423 homozygotes.

Submissions (8):

Labcorp Genetics (formerly Invitae), Labcorp
Classification: Benign for Chédiak-Higashi syndrome. Last evaluated: 2026-02-04. Review status: criteria provided, single submitter. Criteria: Invitae Variant Classification Sherloc (09022015). Collection method: clinical testing. Allele origin: germline.

Blueprint Genetics
Classification: Likely benign. Last evaluated: 2024-11-26. Review status: criteria provided, single submitter. Criteria: ACMG Guidelines, 2015. Collection method: clinical testing. Allele origin: germline.

Unidad de Genómica Garrahan, Hospital de Pediatría Garrahan
Classification: Benign. Last evaluated: 2023-11-12. Review status: criteria provided, single submitter. Criteria: ACMG Guidelines, 2015. Collection method: clinical testing. Allele origin: germline. Affected: no. Observed: 48 variant alleles.
Comment: This variant is classified as Benign based on local population frequency. This variant was detected in 50% of patients studied by a panel of primary immunodeficiencies. Number of patients: 48. Only high quality variants are reported.

Mayo Clinic Laboratories, Mayo Clinic
Classification: Benign. Last evaluated: 2022-09-29. Review status: criteria provided, single submitter. Criteria: ACMG Guidelines, 2015. Collection method: clinical testing. Allele origin: germline. Observed: 1,837 variant alleles.

GeneDx
Classification: Benign. Last evaluated: 2018-06-13. Review status: criteria provided, single submitter. Criteria: GeneDx Variant Classification (06012015). Collection method: clinical testing. Allele origin: germline. Affected: yes.
Comment: This variant is considered likely benign or benign based on one or more of the following criteria: it is a conservative change, it occurs at a poorly conserved position in the protein, it is predicted to be benign by multiple in silico algorithms, and/or has population frequency not consistent with disease.

Laboratory for Molecular Medicine, Mass General Brigham Personalized Medicine
Classification: Benign. Last evaluated: 2016-03-28. Review status: criteria provided, single submitter. Criteria: LMM Criteria. Collection method: clinical testing. Allele origin: germline.
Comment: Variant identified in a genome or exome case(s) and assessed due to predicted null impact of the variant or pathogenic assertions in the literature or databases. Disclaimer: This variant has not undergone full assessment. The following are preliminary notes: MAF

Breakthrough Genomics
Classification: Benign. Review status: criteria provided, single submitter. Criteria: ACMG Guidelines, 2015. Collection method: not provided. Allele origin: germline. Inheritance: Autosomal recessive inheritance. Affected: yes.

PreventionGenetics, part of Exact Sciences
Classification: Benign. Review status: criteria provided, single submitter. Criteria: ACMG Guidelines, 2015. Collection method: clinical testing. Allele origin: germline.